The following is an entry in ClinVar:

ClinVar aggregate classification (germline): Uncertain significance (1 of 4 stars; one submission).

Submission:

Ambry Genetics
Classification: Uncertain significance. Last evaluated: 2024-09-18. Review status: criteria provided, single submitter. Criteria: Ambry Variant Classification Scheme 2023. Collection method: clinical testing. Allele origin: germline.
Comment: The p.E175Q variant (also known as c.523G>C), located in coding exon 1 of the EGLN2 gene, results from a G to C substitution at nucleotide position 523. The glutamic acid at codon 175 is replaced by glutamine, an amino acid with highly similar properties. This amino acid position is conserved. In addition, this alteration is predicted to be tolerated by in silico analysis. Since supporting evidence is limited at this time, the clinical significance of this alteration remains unclear.

NM_080732.4(EGLN2):c.523G>C (p.Glu175Gln)

Genes: EGLN2 (egl-9 family hypoxia inducible factor 2; plus strand), RAB4B-EGLN2 (RAB4B-EGLN2 readthrough (NMD candidate); plus strand). Cytogenetic location: 19q13.2.
Variant type: single nucleotide variant.
Coding change: c.523G>C on transcript NM_080732.4 (MANE Select); coding-DNA position 523, G replaced by C.
Protein change: p.Glu175Gln; replaces glutamic acid 175 with glutamine.
Molecular consequence: missense variant. On other transcripts: non-coding transcript variant (1).
Genome position (GRCh38, 1-based): chr19:40,801,095, G>C. VCF-style: chr19-40801095-G-C. GRCh37 (hg19) VCF-style: chr19-41307000-G-C.
Other names: c.523G>C, p.Glu175Gln (NM_053046.4); short protein forms E175Q.
Identifiers: ClinVar variation 1746290 (VCV001746290.3), dbSNP rs773586574, ClinGen allele CA405955436.